The following is an entry in ClinVar:

NM_014334.4(FRRS1L):c.239-2A>G

Gene: FRRS1L (ferric chelate reductase 1 like; minus strand). Cytogenetic location: 9q31.3.
Variant type: single nucleotide variant.
Coding change: c.239-2A>G on transcript NM_014334.4 (MANE Select); the canonical splice acceptor site of the intron before coding-DNA position 239, A replaced by G.
Molecular consequence: splice acceptor variant.
Genome position (GRCh38, 1-based): chr9:109,149,722, T>C on the plus strand (A>G on the coding strand, the complement: FRRS1L is on the minus strand). VCF-style: chr9-109149722-T-C. GRCh37 (hg19) VCF-style: chr9-111912002-T-C.
Identifiers: ClinVar variation 935339 (VCV000935339.8), dbSNP rs1831307625, ClinGen allele CA374428442.

ClinVar aggregate classification (germline): Likely pathogenic (1 of 4 stars; one submission).

Conditions:
Developmental and epileptic encephalopathy, 37 (DEE37). Also called: Epileptic encephalopathy, early infantile, 37. Identifiers: MedGen C4310770, MONDO:0014859, OMIM 616981.

Allele frequency attached by ClinVar (database versions not stated): gnomAD exomes below 0.00001.
gnomAD v4.1: 1 of 1,604,396 alleles (0.000062%); highest among the groups gnomAD compares: Non-Finnish European, 0.000085%; no homozygotes.

Submission:

Labcorp Genetics (formerly Invitae), Labcorp
Classification: Likely pathogenic for Developmental and epileptic encephalopathy, 37. Last evaluated: 2025-03-13. Review status: criteria provided, single submitter. Criteria: Invitae Variant Classification Sherloc (09022015). Collection method: clinical testing. Allele origin: germline.
Comment: This sequence change affects an acceptor splice site in intron 1 of the FRRS1L gene. It is expected to disrupt RNA splicing. Variants that disrupt the donor or acceptor splice site typically lead to a loss of protein function (PMID: 16199547), and loss-of-function variants in FRRS1L are known to be pathogenic (PMID: 27236917). This variant is not present in population databases (gnomAD no frequency). This variant has not been reported in the literature in individuals affected with FRRS1L-related conditions. ClinVar contains an entry for this variant (Variation ID: 935339). Algorithms developed to predict the effect of sequence changes on RNA splicing suggest that this variant may disrupt the consensus splice site. In summary, the currently available evidence indicates that the variant is pathogenic, but additional data are needed to prove that conclusively. Therefore, this variant has been classified as Likely Pathogenic.

Literature cited by the submitters: PubMed 16199547; PubMed 27236917.